The following is an entry in ClinVar:

ClinVar aggregate classification (germline): Uncertain significance (1 of 4 stars; one submission).

Submission:

Labcorp Genetics (formerly Invitae), Labcorp
Classification: Uncertain significance. Last evaluated: 2022-05-26. Review status: criteria provided, single submitter. Criteria: Invitae Variant Classification Sherloc (09022015). Collection method: clinical testing. Allele origin: germline.
Comment: This variant has not been reported in the literature in individuals affected with SAMD9-related conditions. This variant is not present in population databases (gnomAD no frequency). This sequence change replaces asparagine, which is neutral and polar, with lysine, which is basic and polar, at codon 977 of the SAMD9 protein (p.Asn977Lys). In summary, the available evidence is currently insufficient to determine the role of this variant in disease. Therefore, it has been classified as a Variant of Uncertain Significance. Algorithms developed to predict the effect of missense changes on protein structure and function output the following: SIFT: "Tolerated"; PolyPhen-2: "Benign"; Align-GVGD: "Class C0". The lysine amino acid residue is found in multiple mammalian species, which suggests that this missense change does not adversely affect protein function.

NM_017654.4(SAMD9):c.2931C>A (p.Asn977Lys)

Gene: SAMD9 (sterile alpha motif domain containing 9; minus strand). Cytogenetic location: 7q21.2.
Variant type: single nucleotide variant.
Coding change: c.2931C>A on transcript NM_017654.4 (MANE Select); coding-DNA position 2931, C replaced by A.
Protein change: p.Asn977Lys; replaces asparagine 977 with lysine.
Molecular consequence: missense variant.
Genome position (GRCh38, 1-based): chr7:93,103,167, G>T on the plus strand (C>A on the coding strand, the complement: SAMD9 is on the minus strand). VCF-style: chr7-93103167-G-T. GRCh37 (hg19) VCF-style: chr7-92732480-G-T.
Other names: c.2931C>A, p.Asn977Lys (NM_001193307.2); short protein forms N977K.
Identifiers: ClinVar variation 1999200 (VCV001999200.4), dbSNP rs2535356833, ClinGen allele CA368189223.